The following is an entry in ClinVar:

ClinVar aggregate classification (germline): Uncertain significance. Review status: criteria provided, multiple submitters, no conflicts (2 of 4 stars). 2 submissions from 2 submitters: Uncertain significance (2). Last evaluated 2025-11-12.

Conditions:
Inborn genetic diseases. Identifiers: MedGen C0950123, MeSH D030342.

Allele frequency attached by ClinVar (database versions not stated): TOPMed 0.00001.
gnomAD v4.1: 4 of 1,613,572 alleles (0.00025%); highest among the groups gnomAD compares: African/African-American, 0.0013%; no homozygotes.

Submissions (2):

Ambry Genetics
Classification: Uncertain significance for Inborn genetic diseases. Last evaluated: 2025-11-12. Review status: criteria provided, single submitter. Criteria: Ambry Variant Classification Scheme 2023. Collection method: clinical testing. Allele origin: germline.

Labcorp Genetics (formerly Invitae), Labcorp
Classification: Uncertain significance. Last evaluated: 2020-08-27. Review status: criteria provided, single submitter. Criteria: Invitae Variant Classification Sherloc (09022015). Collection method: clinical testing. Allele origin: germline.
Comment: This sequence change replaces arginine with leucine at codon 353 of the HSPG2 protein (p.Arg353Leu). The arginine residue is weakly conserved and there is a moderate physicochemical difference between arginine and leucine. In summary, the available evidence is currently insufficient to determine the role of this variant in disease. Therefore, it has been classified as a Variant of Uncertain Significance. Algorithms developed to predict the effect of missense changes on protein structure and function (SIFT, PolyPhen-2, Align-GVGD) all suggest that this variant is likely to be tolerated, but these predictions have not been confirmed by published functional studies and their clinical significance is uncertain. This variant has not been reported in the literature in individuals with HSPG2-related conditions. This variant is not present in population databases (ExAC no frequency).

NM_005529.7(HSPG2):c.1058G>T (p.Arg353Leu)

Gene: HSPG2 (heparan sulfate proteoglycan 2; minus strand). Cytogenetic location: 1p36.12.
Variant type: single nucleotide variant.
Coding change: c.1058G>T on transcript NM_005529.7 (MANE Select); coding-DNA position 1058, G replaced by T.
Protein change: p.Arg353Leu; replaces arginine 353 with leucine.
Molecular consequence: missense variant.
Genome position (GRCh38, 1-based): chr1:21,887,235, C>A on the plus strand (G>T on the coding strand, the complement: HSPG2 is on the minus strand). VCF-style: chr1-21887235-C-A. GRCh37 (hg19) VCF-style: chr1-22213728-C-A.
Other names: c.1058G>T (NM_005529.5); c.1058G>T, p.Arg353Leu (NM_001291860.2); short protein forms R353L.
Identifiers: ClinVar variation 1042256 (VCV001042256.7), dbSNP rs758149916, ClinGen allele CA338968607.